The following is an entry in ClinVar:

ClinVar aggregate classification (germline): Uncertain significance (1 of 4 stars; one submission).

Submission:

Ambry Genetics
Classification: Uncertain significance. Last evaluated: 2026-03-16. Review status: criteria provided, single submitter. Criteria: Ambry Variant Classification Scheme 2023. Collection method: clinical testing. Allele origin: germline.
Comment: The c.278A>G (p.D93G) alteration is located in coding exon 3 of the HDAC3 gene. This alteration results from a A to G substitution at nucleotide position 278, causing the aspartic acid (D) at amino acid position 93 to be replaced by a glycine (G). This variant was not reported in population-based cohorts in the Genome Aggregation Database (gnomAD). This amino acid position is highly conserved in available vertebrate species. This missense alteration is located in a region that has a low rate of benign missense variation (Lek, 2016; Firth, 2009). This alteration is predicted to be deleterious by in silico analysis. Based on insufficient or conflicting evidence, the clinical significance of this alteration remains unclear.

NM_003883.4(HDAC3):c.278A>G (p.Asp93Gly)

Gene: HDAC3 (histone deacetylase 3; minus strand). Cytogenetic location: 5q31.3.
Variant type: single nucleotide variant.
Coding change: c.278A>G on transcript NM_003883.4 (MANE Select); coding-DNA position 278, A replaced by G.
Protein change: p.Asp93Gly; replaces aspartic acid 93 with glycine.
Molecular consequence: missense variant. On other transcripts: non-coding transcript variant (4), intron variant (2).
Genome position (GRCh38, 1-based): chr5:141,634,814, T>C on the plus strand (A>G on the coding strand, the complement: HDAC3 is on the minus strand). VCF-style: chr5-141634814-T-C. GRCh37 (hg19) VCF-style: chr5-141014381-T-C.
Other names: c.278A>G, p.Asp93Gly (NM_001355039.2); c.-123+1734A>G (NM_001355040.2); c.-281+1734A>G (NM_001355041.2); short protein forms D93G.
Identifiers: ClinVar variation 3104577 (VCV003104577.2), dbSNP rs2513914438, ClinGen allele CA361527845.